The following is an entry in ClinVar:

NM_006618.5(KDM5B):c.1682T>C (p.Leu561Pro)

Gene: KDM5B (lysine demethylase 5B; minus strand). Cytogenetic location: 1q32.1.
Variant type: single nucleotide variant.
Coding change: c.1682T>C on transcript NM_006618.5 (MANE Select); coding-DNA position 1682, T replaced by C.
Protein change: p.Leu561Pro; replaces leucine 561 with proline.
Molecular consequence: missense variant.
Genome position (GRCh38, 1-based): chr1:202,752,924, A>G on the plus strand (T>C on the coding strand, the complement: KDM5B is on the minus strand). VCF-style: chr1-202752924-A-G. GRCh37 (hg19) VCF-style: chr1-202722052-A-G.
Other names: c.1790T>C, p.Leu597Pro (NM_001314042.2); c.1547T>C, p.Leu516Pro (NM_001347591.2); c.1667T>C, p.Leu556Pro (NM_001399817.1); short protein forms L556P, L561P, L597P, L516P.
Identifiers: ClinVar variation 4741736 (VCV004741736.1).
Genomic context (GRCh38, chr1:202,752,924, plus strand): 5'-GAATTAAGCTTGAGTGGCAGGAGGATTAACCCAGAACATACAGGCACTTCATGAGTCATC[A>G]GGGTATTGGGGTTCATGATGGTCACAAGCTGATGGAGGAGATCCGGCTGGGACACAAAGA-3'
Protein context (NP_006609.3, residues 551-571): QLVTIMNPNT[Leu561Pro]MTHEVPVYRT

ClinVar aggregate classification (germline): Uncertain significance (1 of 4 stars; one submission).

Submission:

Labcorp Genetics (formerly Invitae), Labcorp
Classification: Uncertain significance. Last evaluated: 2025-09-13. Review status: criteria provided, single submitter. Criteria: Invitae Variant Classification Sherloc (09022015). Collection method: clinical testing. Allele origin: germline.
Comment: This sequence change replaces leucine, which is neutral and non-polar, with proline, which is neutral and non-polar, at codon 561 of the KDM5B protein (p.Leu561Pro). This variant is not present in population databases (gnomAD no frequency). This variant has not been reported in the literature in individuals affected with KDM5B-related conditions. Invitae Evidence Modeling of protein sequence and biophysical properties (such as structural, functional, and spatial information, amino acid conservation, physicochemical variation, residue mobility, and thermodynamic stability) indicates that this missense variant is expected to disrupt KDM5B protein function with a positive predictive value of 80%. In summary, the available evidence is currently insufficient to determine the role of this variant in disease. Therefore, it has been classified as a Variant of Uncertain Significance.